The following is an entry in ClinVar:

NM_019066.5(MAGEL2):c.2515C>G (p.Gln839Glu)

Gene: MAGEL2 (MAGE family member L2; minus strand). Cytogenetic location: 15q11.2.
Variant type: single nucleotide variant.
Coding change: c.2515C>G on transcript NM_019066.5 (MANE Select); coding-DNA position 2515, C replaced by G.
Protein change: p.Gln839Glu; replaces glutamine 839 with glutamic acid.
Molecular consequence: missense variant.
Genome position (GRCh38, 1-based): chr15:23,645,228, G>C on the plus strand (C>G on the coding strand, the complement: MAGEL2 is on the minus strand). VCF-style: chr15-23645228-G-C. GRCh37 (hg19) VCF-style: chr15-23890375-G-C.
Other names: short protein forms Q839E.
Identifiers: ClinVar variation 4795737 (VCV004795737.1).

ClinVar aggregate classification (germline): Uncertain significance (1 of 4 stars; one submission).

Submission:

GeneDx
Classification: Uncertain significance. Last evaluated: 2025-08-12. Review status: criteria provided, single submitter. Criteria: GeneDx Variant Classification Process June 2021. Collection method: clinical testing. Allele origin: germline. Affected: yes.
Comment: Not observed at significant frequency in large population cohorts (gnomAD); In silico analysis suggests that this missense variant does not alter protein structure/function; Has not been previously published as pathogenic or benign to our knowledge